The following is an entry in ClinVar:

ClinVar aggregate classification (germline): Pathogenic. Review status: criteria provided, multiple submitters, no conflicts (2 of 4 stars). 4 submissions from 4 submitters: Pathogenic (3). 1 of the submissions does not count toward it. Last evaluated 2026-03-26.

Conditions:
Renal carnitine transport defect (CDSP). Also called: Systemic primary carnitine deficiency disease; Carnitine transporter deficiency; Carnitine Deficiency, Systemic; CARNITINE DEFICIENCY, SYSTEMIC, DUE TO DEFECT IN RENAL REABSORPTION OF CARNITINE; CARNITINE TRANSPORTER, PLASMA-MEMBRANE, DEFICIENCY OF; CARNITINE UPTAKE DEFECT. Identifiers: Orphanet 158, MedGen C0342788, MONDO:0008919, OMIM 212140.

Allele frequency attached by ClinVar (database versions not stated): gnomAD exomes below 0.00001; TOPMed 0.00001.
gnomAD v4.1: 2 of 1,613,802 alleles (0.00012%); highest among the groups gnomAD compares: Non-Finnish European, 0.000085%; no homozygotes.

Submissions (4):

Dasa
Classification: Pathogenic. Last evaluated: 2026-03-26. Review status: criteria provided, single submitter. Criteria: DASA Assertion Criteria. Collection method: clinical testing. Allele origin: germline.
Comment: NM_003060.4(SLC22A5):c.653-2A>C affects a canonical splice acceptor site and is predicted to disrupt normal splicing. Loss-of-function is an established mechanism of disease for this gene. The variant has been reported in individuals with systemic primary carnitine deficiency (PMID: 28841266) and is present at low frequency in population datasets. Based on the available data, this variant is classified as pathogenic.

Labcorp Genetics (formerly Invitae), Labcorp
Classification: Pathogenic for Renal carnitine transport defect. Last evaluated: 2023-07-25. Review status: criteria provided, single submitter. Criteria: Invitae Variant Classification Sherloc (09022015). Collection method: clinical testing. Allele origin: germline.
Comment: This sequence change affects an acceptor splice site in intron 3 of the SLC22A5 gene. It is expected to disrupt RNA splicing. Variants that disrupt the donor or acceptor splice site typically lead to a loss of protein function (PMID: 16199547), and loss-of-function variants in SLC22A5 are known to be pathogenic (PMID: 9916797). This variant is not present in population databases (gnomAD no frequency). Disruption of this splice site has been observed in individual(s) with primary carnitine deficiency (PMID: 28841266). ClinVar contains an entry for this variant (Variation ID: 25384). Algorithms developed to predict the effect of sequence changes on RNA splicing suggest that this variant may disrupt the consensus splice site. For these reasons, this variant has been classified as Pathogenic.

Genome-Nilou Lab
Classification: Pathogenic for Renal carnitine transport defect. Last evaluated: 2021-07-15. Review status: criteria provided, single submitter. Criteria: ACMG Guidelines, 2015. Collection method: clinical testing. Allele origin: germline. Affected: no.

Counsyl
Classification: Likely pathogenic for Renal carnitine transport defect. Last evaluated: 2017-11-20. Review status: no assertion criteria provided. Collection method: clinical testing. Allele origin: unknown. Not counted in ClinVar's aggregate classification.

Literature cited by the submitters: PubMed 28841266 (cited by 3 submitters); PubMed 26828774 (cited by Dasa); PubMed 16199547 (cited by Labcorp Genetics (formerly Invitae), Labcorp); PubMed 9916797 (cited by Labcorp Genetics (formerly Invitae), Labcorp); PubMed 23798014 (cited by Counsyl).

NM_003060.4(SLC22A5):c.653-2A>C

Gene: SLC22A5 (solute carrier family 22 member 5; plus strand). Cytogenetic location: 5q31.1.
Variant type: single nucleotide variant.
Coding change: c.653-2A>C on transcript NM_003060.4 (MANE Select); the canonical splice acceptor site of the intron before coding-DNA position 653, A replaced by C.
Molecular consequence: splice acceptor variant.
Genome position (GRCh38, 1-based): chr5:132,385,326, A>C. VCF-style: chr5-132385326-A-C. GRCh37 (hg19) VCF-style: chr5-131721018-A-C.
Other names: c.725-2A>C (NM_001308122.2).
Identifiers: ClinVar variation 25384 (VCV000025384.15), dbSNP rs386134201, ClinGen allele CA342642.
Genomic context (GRCh38, chr5:132,385,326, plus strand): 5'-AAAAATTAATAAGGAAGGAACCCAAATTAAACTGCTAACTCGACCTCCCTTGTTTTGAAC[A>C]GGGACAGAAATTCTTGGCAAGTCAGTTCGTATAATATTCTCTACGTTAGGAGTGTGCATA-3'